The following is an entry in ClinVar:

ClinVar aggregate classification (germline): Conflicting classifications of pathogenicity. Review status: criteria provided, conflicting classifications (1 of 4 stars). 2 submissions from 2 submitters: Uncertain significance (1); Benign (1). Last evaluated 2024-06-21.

Conditions:
Familial cancer of breast. Also called: BREAST CANCER, FAMILIAL; Hereditary breast cancer; hereditary breast carcinoma. Identifiers: Orphanet 227535, MedGen C0346153, MONDO:0016419, OMIM 114480. Disease mechanism: loss of function.
Hereditary cancer-predisposing syndrome. Also called: Tumor predisposition; Neoplastic Syndromes, Hereditary; Hereditary Cancer Syndrome; Hereditary neoplastic syndrome. Identifiers: Orphanet 140162, MedGen C0027672, MeSH D009386, MONDO:0015356.

Submissions (2):

Myriad Genetics, Inc.
Classification: Benign for Familial cancer of breast. Last evaluated: 2024-06-21. Review status: criteria provided, single submitter. Criteria: Myriad Autosomal Dominant, Autosomal Recessive and X-Linked Classification Criteria (2023). Collection method: clinical testing. Allele origin: unknown.
Comment: This variant is considered benign. This variant is a silent/synonymous amino acid change and it is not expected to impact splicing.

Color Diagnostics, LLC DBA Color Health
Classification: Uncertain significance for Hereditary cancer-predisposing syndrome. Last evaluated: 2022-11-21. Review status: criteria provided, single submitter. Criteria: ACMG Guidelines, 2015. Collection method: clinical testing. Allele origin: germline.
Comment: This variant is located in the ATM protein. To our knowledge, functional studies have not been reported for this variant. This variant has not been reported in individuals affected with ATM-related disorders in the literature. This variant has not been identified in the general population by the Genome Aggregation Database (gnomAD). The available evidence is insufficient to determine the role of this variant in disease conclusively. Therefore, this variant is classified as a Variant of Uncertain Significance.

NM_000051.4(ATM):c.8808A>G (p.Glu2936=)

Genes: ATM (ATM serine/threonine kinase; plus strand), C11orf65 (chromosome 11 open reading frame 65; minus strand). Cytogenetic location: 11q22.3.
Variant type: single nucleotide variant.
Coding change: c.8808A>G on transcript NM_000051.4 (MANE Select); coding-DNA position 8808, A replaced by G.
Protein change: p.Glu2936=; no amino-acid change (glutamic acid 2936 retained).
Molecular consequence: synonymous variant. On other transcripts: intron variant (2).
Genome position (GRCh38, 1-based): chr11:108,354,832, A>G. VCF-style: chr11-108354832-A-G. GRCh37 (hg19) VCF-style: chr11-108225559-A-G.
Other names: c.8808A>G, p.Glu2936= (NM_001351834.2); c.640+31088T>C (NM_001330368.2); c.695-19540T>C (NM_001351110.2).
Identifiers: ClinVar variation 2774733 (VCV002774733.2), dbSNP rs2137348568, ClinGen allele CA476674084.